The following is an entry in ClinVar:

ClinVar aggregate classification (germline): Uncertain significance (1 of 4 stars; one submission).

Submission:

Labcorp Genetics (formerly Invitae), Labcorp
Classification: Uncertain significance. Last evaluated: 2023-12-30. Review status: criteria provided, single submitter. Criteria: Invitae Variant Classification Sherloc (09022015). Collection method: clinical testing. Allele origin: germline.
Comment: This sequence change replaces serine, which is neutral and polar, with phenylalanine, which is neutral and non-polar, at codon 325 of the PDE4D protein (p.Ser325Phe). This variant is not present in population databases (gnomAD no frequency). This variant has not been reported in the literature in individuals affected with PDE4D-related conditions. Advanced modeling of protein sequence and biophysical properties (such as structural, functional, and spatial information, amino acid conservation, physicochemical variation, residue mobility, and thermodynamic stability) performed at Invitae indicates that this missense variant is expected to disrupt PDE4D protein function with a positive predictive value of 80%. In summary, the available evidence is currently insufficient to determine the role of this variant in disease. Therefore, it has been classified as a Variant of Uncertain Significance.

NM_001104631.2(PDE4D):c.974C>T (p.Ser325Phe)

Gene: PDE4D (phosphodiesterase 4D; minus strand). Cytogenetic location: 5q11.2.
Variant type: single nucleotide variant.
Coding change: c.974C>T on transcript NM_001104631.2 (MANE Select); coding-DNA position 974, C replaced by T.
Protein change: p.Ser325Phe; replaces serine 325 with phenylalanine.
Molecular consequence: missense variant.
Genome position (GRCh38, 1-based): chr5:58,993,413, G>A on the plus strand (C>T on the coding strand, the complement: PDE4D is on the minus strand). VCF-style: chr5-58993413-G-A. GRCh37 (hg19) VCF-style: chr5-58289240-G-A.
Other names: c.791C>T, p.Ser264Phe (NM_001165899.2, NM_001364599.1); c.782C>T, p.Ser261Phe (NM_001197218.2); c.608C>T, p.Ser203Phe (NM_001197219.2); c.584C>T, p.Ser195Phe (NM_001197220.2); c.68C>T, p.Ser23Phe (NM_001197221.2, NM_001364603.1); c.302C>T, p.Ser101Phe (NM_001197222.2); c.101C>T, p.Ser34Phe (NM_001197223.2); c.761C>T, p.Ser254Phe (NM_001349241.2); and 3 more; short protein forms S189F, S325F, S215F, S195F, S203F, S261F, S69F, S101F.
Identifiers: ClinVar variation 2706691 (VCV002706691.3), dbSNP rs2479492653, ClinGen allele CA359818066.